The following is an entry in ClinVar:

NM_001961.4(EEF2):c.1569G>A (p.Gly523=)

Gene: EEF2 (eukaryotic translation elongation factor 2; minus strand). Cytogenetic location: 19p13.3.
Variant type: single nucleotide variant.
Coding change: c.1569G>A on transcript NM_001961.4 (MANE Select); coding-DNA position 1569, G replaced by A.
Protein change: p.Gly523=; no amino-acid change (glycine 523 retained).
Molecular consequence: synonymous variant.
Genome position (GRCh38, 1-based): chr19:3,979,844, C>T on the plus strand (G>A on the coding strand, the complement: EEF2 is on the minus strand). VCF-style: chr19-3979844-C-T. GRCh37 (hg19) VCF-style: chr19-3979842-C-T.
Identifiers: ClinVar variation 585823 (VCV000585823.13), dbSNP rs3816321, ClinGen allele CA9088862.

ClinVar aggregate classification (germline): Benign. Review status: criteria provided, multiple submitters, no conflicts (2 of 4 stars). 3 submissions from 3 submitters: Benign (2). 1 of the submissions does not count toward it. Last evaluated 2026-01-06.

Conditions:
EEF2-related disorder. Also called: EEF2-related condition.

Allele frequency attached by ClinVar (database versions not stated): gnomAD 0.00045 and 0.00088; TOPMed 0.00064; gnomAD exomes 0.00073 and 0.00171; ExAC 0.00174; 1000 Genomes Project 30x 0.00531; 1000 Genomes Project 0.00599.
gnomAD v4.1: 1,260 of 1,613,734 alleles (0.078%); highest among the groups gnomAD compares: East Asian, 1.6%; 14 homozygotes.

Submissions (3):

Labcorp Genetics (formerly Invitae), Labcorp
Classification: Benign. Last evaluated: 2026-01-06. Review status: criteria provided, single submitter. Criteria: Invitae Variant Classification Sherloc (09022015). Collection method: clinical testing. Allele origin: germline.

Athena Diagnostics
Classification: Benign. Last evaluated: 2017-10-24. Review status: criteria provided, single submitter. Criteria: Athena Diagnostics Criteria. Collection method: clinical testing. Allele origin: germline.

PreventionGenetics, part of Exact Sciences
Classification: Benign for EEF2-related condition. Last evaluated: 2019-07-15. Review status: no assertion criteria provided. Collection method: clinical testing. Allele origin: germline. Not counted in ClinVar's aggregate classification.
Comment: This variant is classified as benign based on ACMG/AMP sequence variant interpretation guidelines (Richards et al. 2015 PMID: 25741868, with internal and published modifications).